The following is an entry in ClinVar:

ClinVar aggregate classification (germline): Benign/Likely benign. Review status: criteria provided, multiple submitters, no conflicts (2 of 4 stars). 6 submissions from 6 submitters: Benign (4); Likely benign (1). 1 of the submissions does not count toward it. Last evaluated 2026-02-03.

Conditions:
Retinal dystrophy. Also called: Inherited retinal dystrophy. Identifiers: Orphanet 71862, MedGen C0854723, MeSH D058499, MONDO:0019118, HP:0000556.
Retinitis pigmentosa (RP). Identifiers: Orphanet 791, MedGen C0035334, MeSH D012174, MONDO:0019200, OMIM 268000. Inheritance: Autosomal dominant, autosomal recessive and X linked inheritance.

Allele frequency attached by ClinVar (database versions not stated): ESP Exome Variant Server 0.03037; gnomAD 0.03728 and 0.03987; TOPMed 0.04106; ExAC 0.05079; gnomAD exomes 0.05235; 1000 Genomes Project 30x 0.06355; 1000 Genomes Project 0.06370.
gnomAD v4.1: 70,923 of 1,614,066 alleles (4.4%); highest among the groups gnomAD compares: East Asian, 11%; 1,868 homozygotes.

Submissions (6):

Labcorp Genetics (formerly Invitae), Labcorp
Classification: Benign. Last evaluated: 2026-02-03. Review status: criteria provided, single submitter. Criteria: Invitae Variant Classification Sherloc (09022015). Collection method: clinical testing. Allele origin: germline.

Genomic Medicine Center of Excellence, King Faisal Specialist Hospital and Research Centre
Classification: Likely benign. Last evaluated: 2025-08-18. Review status: criteria provided, single submitter. Criteria: ACMG Guidelines, 2015. Collection method: clinical testing. Allele origin: germline.

Dept Of Ophthalmology, Nagoya University
Classification: Benign for Retinal dystrophy. Last evaluated: 2023-10-01. Review status: criteria provided, single submitter. Criteria: Submitter's publication. Collection method: research. Allele origin: germline. Affected: yes.

Illumina Laboratory Services, Illumina
Classification: Benign for Retinitis pigmentosa. Last evaluated: 2018-03-06. Review status: criteria provided, single submitter. Criteria: ICSL Variant Classification Criteria 13 December 2019. Collection method: clinical testing. Allele origin: germline.
Comment: This variant was observed in the ICSL laboratory as part of a predisposition screen in an ostensibly healthy population. It had not been previously curated by ICSL or reported in the Human Gene Mutation Database (HGMD: prior to June 1st, 2018), and was therefore a candidate for classification through an automated scoring system. Utilizing variant allele frequency, disease prevalence and penetrance estimates, and inheritance mode, an automated score was calculated to assess if this variant is too frequent to cause the disease. Based on the score and internal cut-off values, a variant classified as benign is not then subjected to further curation. The score for this variant resulted in a classification of benign for this disease.

Breakthrough Genomics
Classification: Benign. Review status: criteria provided, single submitter. Criteria: ACMG Guidelines, 2015. Collection method: not provided. Allele origin: germline. Inheritance: Unknown mechanism. Affected: yes.

NEI Ophthalmic Genomics Laboratory, National Institutes of Health
No classification provided. Review status: no classification provided. Collection method: not provided. Allele origin: not provided. Not counted in ClinVar's aggregate classification.

NM_001012720.2(RGR):c.722C>T (p.Ser241Phe)

Gene: RGR (retinal G protein coupled receptor; plus strand). Cytogenetic location: 10q23.1.
Variant type: single nucleotide variant.
Coding change: c.722C>T on transcript NM_001012720.2 (MANE Select); coding-DNA position 722, C replaced by T.
Protein change: p.Ser241Phe; replaces serine 241 with phenylalanine.
Molecular consequence: missense variant. On other transcripts: intron variant (1).
Genome position (GRCh38, 1-based): chr10:84,257,984, C>T. VCF-style: chr10-84257984-C-T. GRCh37 (hg19) VCF-style: chr10-86017740-C-T.
Other names: c.734C>T, p.Ser245Phe (NM_002921.4); c.631-524C>T (NM_001012722.2); short protein forms S245F, S241F.
Identifiers: ClinVar variation 100573 (VCV000100573.16), dbSNP rs61730895, ClinGen allele CA228904.
Genomic context (GRCh38, chr10:84,257,984, plus strand): 5'-TGCTCGGCTGGGGCCCCTATGCCATCCTGTATCTATACGCAGTCATCGCAGACGTGACTT[C>T]CATCTCCCCCAAACTGCAGATGGTACAGATACTTCTAGTACCTAAAACTAGACCCCTCTC-3'
Protein context (NP_001012738.1, residues 231-251): YLYAVIADVT[Ser241Phe]ISPKLQMVPA